The following is an entry in ClinVar:

ClinVar aggregate classification (germline): Conflicting classifications of pathogenicity. Review status: criteria provided, conflicting classifications (1 of 4 stars). 2 submissions from 2 submitters: Uncertain significance (1); Likely benign (1). Last evaluated 2023-03-23.

Conditions:
Hereditary cancer-predisposing syndrome. Also called: Hereditary neoplastic syndrome; Neoplastic Syndromes, Hereditary; Hereditary Cancer Syndrome; Tumor predisposition. Identifiers: Orphanet 140162, MedGen C0027672, MeSH D009386, MONDO:0015356.
Hereditary breast ovarian cancer syndrome. Also called: BRCA1- and BRCA2-Associated Hereditary Breast and Ovarian Cancer; Hereditary breast and ovarian cancer syndrome (HBOC); Hereditary breast and/or ovarian cancer syndrome; Hereditary breast and ovarian cancer syndrome; Hereditary breast and ovarian cancer; Breast and ovarian cancer. Identifiers: Orphanet 145, MedGen C0677776, MeSH D061325, MONDO:0003582. Disease mechanism: loss of function.

Submissions (2):

University of Washington Department of Laboratory Medicine, University of Washington
Classification: Likely benign for Hereditary cancer-predisposing syndrome. Last evaluated: 2023-03-23. Review status: criteria provided, single submitter. Criteria: Dines et al. (Genet Med. 2020). Collection method: curation. Allele origin: germline.
Comment: Missense variant in a coldspot region where missense variants are very unlikely to be pathogenic (PMID:31911673).

BRCA1 coldspot (exon 11 using historical exon numbering). Reclassification based on statistical prior probability

Labcorp Genetics (formerly Invitae), Labcorp
Classification: Uncertain significance for Hereditary breast ovarian cancer syndrome. Last evaluated: 2022-09-03. Review status: criteria provided, single submitter. Criteria: Invitae Variant Classification Sherloc (09022015). Collection method: clinical testing. Allele origin: germline.
Comment: Advanced modeling of protein sequence and biophysical properties (such as structural, functional, and spatial information, amino acid conservation, physicochemical variation, residue mobility, and thermodynamic stability) performed at Invitae indicates that this missense variant is not expected to disrupt BRCA1 protein function. In summary, the available evidence is currently insufficient to determine the role of this variant in disease. Therefore, it has been classified as a Variant of Uncertain Significance. This variant has not been reported in the literature in individuals affected with BRCA1-related conditions. This variant is not present in population databases (gnomAD no frequency). This sequence change replaces isoleucine, which is neutral and non-polar, with valine, which is neutral and non-polar, at codon 483 of the BRCA1 protein (p.Ile483Val).

NM_007294.4(BRCA1):c.1447A>G (p.Ile483Val)

Gene: BRCA1 (BRCA1 DNA repair associated; minus strand). Cytogenetic location: 17q21.31.
Variant type: single nucleotide variant.
Coding change: c.1447A>G on transcript NM_007294.4 (MANE Select); coding-DNA position 1447, A replaced by G.
Protein change: p.Ile483Val; replaces isoleucine 483 with valine.
Molecular consequence: missense variant. On other transcripts: intron variant (137).
Genome position (GRCh38, 1-based): chr17:43,094,084, T>C on the plus strand (A>G on the coding strand, the complement: BRCA1 is on the minus strand). VCF-style: chr17-43094084-T-C. GRCh37 (hg19) VCF-style: chr17-41246101-T-C.
Other names: c.1447A>G, p.Ile483Val (NM_001407625.1, NM_001407626.1, NM_001407581.1 and 30 more transcripts); c.1114A>G, p.Ile372Val (NM_001407951.1, NM_001407952.1, NM_001407953.1 and 6 more transcripts); c.1444A>G, p.Ile482Val (NM_001407627.1, NM_001407628.1, NM_001407629.1 and 22 more transcripts); c.1111A>G, p.Ile371Val (NM_001407954.1, NM_001407955.1, NM_001407956.1 and 1 more transcripts); c.1066A>G, p.Ile356Val (NM_001407959.1, NM_001407960.1, NM_001407963.1); c.1063A>G, p.Ile355Val (NM_001407962.1); c.1234A>G, p.Ile412Val (NM_001407571.1, NM_001407853.1, NM_001407894.1 and 9 more transcripts); c.1438A>G, p.Ile480Val (NM_001407646.1, NM_001407647.1); and 40 more; short protein forms I187V, I315V, I355V, I356V, I371V, I372V, I394V, I395V.
Identifiers: ClinVar variation 1718720 (VCV001718720.8), dbSNP rs2552208778, ClinGen allele CA10599146.